The following is an entry in ClinVar:

NM_025074.7(FRAS1):c.7029+7G>A

Gene: FRAS1 (Fraser extracellular matrix complex subunit 1; plus strand). Cytogenetic location: 4q21.21.
Variant type: single nucleotide variant.
Coding change: c.7029+7G>A on transcript NM_025074.7 (MANE Select); 7 bases into the intron after coding-DNA position 7029, G replaced by A.
Molecular consequence: intron variant.
Genome position (GRCh38, 1-based): chr4:78,464,590, G>A. VCF-style: chr4-78464590-G-A. GRCh37 (hg19) VCF-style: chr4-79385744-G-A.
Identifiers: ClinVar variation 597376 (VCV000597376.18), dbSNP rs183687186, ClinGen allele CA2977958.
Genomic context (GRCh38, chr4:78,464,590, plus strand): 5'-ATGAGGAAGACCATCACAGAGTTTGAGCTTAAGGCGGTGGATGCTGACACAGAGGTAAGA[G>A]CACTTCTTCCCATGGGTTCTCTGGCTAAATGAGAGGCTGACCTGGTGGCAGCTATCACGT-3'

ClinVar aggregate classification (germline): Conflicting classifications of pathogenicity. Review status: criteria provided, conflicting classifications (1 of 4 stars). 3 submissions from 3 submitters: Uncertain significance (1); Benign (1); Likely benign (1). Last evaluated 2026-01-24.

Conditions:
Fraser syndrome 1 (FRASRS1). Also called: CRYPTOPHTHALMOS WITH OTHER MALFORMATIONS. Identifiers: Orphanet 2052, MedGen C4551480, MONDO:0054737, OMIM 219000.

Allele frequency attached by ClinVar (database versions not stated): ESP Exome Variant Server 0.00127; TOPMed 0.00131; gnomAD 0.00151 and 0.00159; 1000 Genomes Project 0.00160; 1000 Genomes Project 30x 0.00172.
gnomAD v4.1: 434 of 1,613,396 alleles (0.027%); highest among the groups gnomAD compares: African/African-American, 0.48%; 4 homozygotes.

Submissions (3):

Labcorp Genetics (formerly Invitae), Labcorp
Classification: Benign. Last evaluated: 2026-01-24. Review status: criteria provided, single submitter. Criteria: Invitae Variant Classification Sherloc (09022015). Collection method: clinical testing. Allele origin: germline.

Eurofins Ntd Llc (ga)
Classification: Uncertain significance. Last evaluated: 2018-05-23. Review status: criteria provided, single submitter. Criteria: EGL ClinVar v180209 classification definitions. Collection method: clinical testing. Allele origin: germline. Observed: 1 variant allele, 1 heterozygote.

Illumina Laboratory Services, Illumina
Classification: Likely benign for Fraser syndrome 1. Last evaluated: 2018-01-13. Review status: criteria provided, single submitter. Criteria: ICSL Variant Classification Criteria 13 December 2019. Collection method: clinical testing. Allele origin: germline.
Comment: This variant was observed in the ICSL laboratory as part of a predisposition screen in an ostensibly healthy population. It had not been previously curated by ICSL or reported in the Human Gene Mutation Database (HGMD: prior to June 1st, 2018), and was therefore a candidate for classification through an automated scoring system. Utilizing variant allele frequency, disease prevalence and penetrance estimates, and inheritance mode, an automated score was calculated to assess if this variant is too frequent to cause the disease. Based on the score and internal cut-off values, a variant classified as likely benign is not then subjected to further curation. The score for this variant resulted in a classification of likely benign for this disease.